The following is an entry in ClinVar:

ClinVar aggregate classification (germline): Likely pathogenic (1 of 4 stars; one submission).

Conditions:
Legius syndrome. Identifiers: Orphanet 137605, MedGen C1969623, MONDO:0012669, OMIM 611431. Disease mechanism: loss of function.

Submission:

Labcorp Genetics (formerly Invitae), Labcorp
Classification: Likely pathogenic for Legius syndrome. Last evaluated: 2023-10-10. Review status: criteria provided, single submitter. Criteria: Invitae Variant Classification Sherloc (09022015). Collection method: clinical testing. Allele origin: germline.
Comment: This sequence change affects a donor splice site in intron 3 of the SPRED1 gene. It is expected to disrupt RNA splicing. Variants that disrupt the donor or acceptor splice site typically lead to a loss of protein function (PMID: 16199547), and loss-of-function variants in SPRED1 are known to be pathogenic (PMID: 17704776). This variant is not present in population databases (gnomAD no frequency). This variant has not been reported in the literature in individuals affected with SPRED1-related conditions. Algorithms developed to predict the effect of sequence changes on RNA splicing suggest that this variant may disrupt the consensus splice site. In summary, the currently available evidence indicates that the variant is pathogenic, but additional data are needed to prove that conclusively. Therefore, this variant has been classified as Likely Pathogenic.

Literature cited by the submitters: PubMed 16199547; PubMed 17704776.

NM_152594.3(SPRED1):c.376+1G>T

Gene: SPRED1 (sprouty related EVH1 domain containing 1; plus strand). Cytogenetic location: 15q14.
Variant type: single nucleotide variant.
Coding change: c.376+1G>T on transcript NM_152594.3 (MANE Select); the canonical splice donor site of the intron after coding-DNA position 376, G replaced by T.
Molecular consequence: splice donor variant.
Genome position (GRCh38, 1-based): chr15:38,322,410, G>T. VCF-style: chr15-38322410-G-T. GRCh37 (hg19) VCF-style: chr15-38614611-G-T.
Identifiers: ClinVar variation 2756067 (VCV002756067.3), dbSNP rs1184012360, ClinGen allele CA391932268.